The following is an entry in ClinVar:

NM_001114753.3(ENG):c.119_133del (p.Gly40_Thr45delinsAla)

Gene: ENG (endoglin; minus strand). Cytogenetic location: 9q34.11.
Variant type: Deletion.
Coding change: c.119_133del on transcript NM_001114753.3 (MANE Select); coding-DNA positions 119 to 133, 15 bases deleted (GCGAGGTGACATATA).
Protein change: p.Gly40_Thr45delinsAla.
Molecular consequence: inframe indel. On other transcripts: 5 prime UTR variant (1).
Genome position (GRCh38, 1-based): chr9:127,843,180-127,843,194, TATATGTCACCTCGC deleted on the plus strand (GCGAGGTGACATATA on the coding strand, the reverse complement: ENG is on the minus strand). VCF-style (leftmost placement, unchanged base first): chr9-127843179-GTATATGTCACCTCGC-G. GRCh37 (hg19) VCF-style: chr9-130605458-GTATATGTCACCTCGC-G.
Other names: c.119_133delGCGAGGTGACATATA, p.Gly40_Thr45delinsAla (NM_000118.4, NM_001406715.1); c.-428_-414del (NM_001278138.2).
Identifiers: ClinVar variation 2003810 (VCV002003810.4), dbSNP rs2539107484, ClinGen allele CA2580079614.

ClinVar aggregate classification (germline): Uncertain significance (1 of 4 stars; one submission).

Conditions:
Hereditary hemorrhagic telangiectasia (HHT). Also called: ORW DISEASE; Osler Weber Rendu syndrome; OSLER-RENDU-WEBER DISEASE; Osler hemorrhagic telangiectasia syndrome. Identifiers: Orphanet 774, MedGen C0039445, MONDO:0019180. Disease mechanism: loss of function.

Submission:

Labcorp Genetics (formerly Invitae), Labcorp
Classification: Uncertain significance for Hereditary hemorrhagic telangiectasia. Last evaluated: 2023-11-08. Review status: criteria provided, single submitter. Criteria: Invitae Variant Classification Sherloc (09022015). Collection method: clinical testing. Allele origin: germline.
Comment: This variant, c.119_133del, is a complex sequence change that results in the deletion of 6 and insertion of 1 amino acid(s) in the ENG protein (p.Gly40_Thr45delinsAla). This variant is not present in population databases (gnomAD no frequency). This variant has been observed in individual(s) with hereditary hemorrhagic telangiectasia (Invitae). ClinVar contains an entry for this variant (Variation ID: 2003810). Experimental studies and prediction algorithms are not available or were not evaluated, and the functional significance of this variant is currently unknown. In summary, the available evidence is currently insufficient to determine the role of this variant in disease. Therefore, it has been classified as a Variant of Uncertain Significance.